The following is an entry in ClinVar:

NM_000059.4(BRCA2):c.4461dup (p.His1488fs)

Gene: BRCA2 (BRCA2 DNA repair associated; plus strand). Cytogenetic location: 13q13.1.
Variant type: Duplication.
Coding change: c.4461dup on transcript NM_000059.4 (MANE Select); coding-DNA position 4461, one base duplicated (A; older notation c.4461dupA).
Protein change: p.His1488fs; shifts the reading frame from histidine 1488.
Molecular consequence: frameshift variant.
Genome position (GRCh38, 1-based): chr13:32,338,816, A duplicated; the last of 3 consecutive A bases (chr13:32,338,814-32,338,816); duplicating any one gives the same sequence. VCF-style (leftmost placement, unchanged base first): chr13-32338813-T-TA. GRCh37 (hg19) VCF-style: chr13-32912950-T-TA.
Other names: c.4461dupA (NM_000059.3); short protein forms H1488fs.
Identifiers: ClinVar variation 462338 (VCV000462338.7), dbSNP rs876660026, ClinGen allele CA658656342.

ClinVar aggregate classification (germline): Pathogenic (1 of 4 stars; one submission).

Conditions:
Hereditary breast ovarian cancer syndrome. Also called: Hereditary breast and ovarian cancer syndrome (HBOC); Hereditary breast and ovarian cancer syndrome; Breast and ovarian cancer; Hereditary breast and/or ovarian cancer syndrome; Hereditary breast and ovarian cancer; BRCA1- and BRCA2-Associated Hereditary Breast and Ovarian Cancer. Identifiers: Orphanet 145, MedGen C0677776, MeSH D061325, MONDO:0003582. Disease mechanism: loss of function.

Submission:

Labcorp Genetics (formerly Invitae), Labcorp
Classification: Pathogenic for Hereditary breast ovarian cancer syndrome. Last evaluated: 2022-01-12. Review status: criteria provided, single submitter. Criteria: Invitae Variant Classification Sherloc (09022015). Collection method: clinical testing. Allele origin: germline.
Comment: For these reasons, this variant has been classified as Pathogenic. ClinVar contains an entry for this variant (Variation ID: 462338). This variant has not been reported in the literature in individuals affected with BRCA2-related conditions. This variant is not present in population databases (gnomAD no frequency). This sequence change creates a premature translational stop signal (p.His1488Thrfs*26) in the BRCA2 gene. It is expected to result in an absent or disrupted protein product. Loss-of-function variants in BRCA2 are known to be pathogenic (PMID: 20104584).

Literature cited by the submitters: PubMed 20104584.